The following is an entry in ClinVar:

ClinVar aggregate classification (germline): Pathogenic (1 of 4 stars; one submission).

Conditions:
Marfan syndrome (MFS). Also called: MARFAN SYNDROME, TYPE I; FBN1-Related Marfan Syndrome; Marfan syndrome type 1; Marfan's syndrome; Marfan syndrome, classic. Identifiers: Orphanet 284963, Orphanet 558, MedGen C0024796, MONDO:0007947, OMIM 154700.
Familial thoracic aortic aneurysm and aortic dissection (TAAD). Also called: Thoracic aortic aneurysms and dissections. Identifiers: Orphanet 91387, MedGen C4707243, MONDO:0019625.

Submission:

Labcorp Genetics (formerly Invitae), Labcorp
Classification: Pathogenic for Marfan syndrome; Familial thoracic aortic aneurysm and aortic dissection. Last evaluated: 2017-03-25. Review status: criteria provided, single submitter. Criteria: Invitae Variant Classification Sherloc (09022015). Collection method: clinical testing. Allele origin: germline.
Comment: For these reasons, this variant has been classified as Pathogenic. While this particular variant has not been reported in the literature, loss-of-function variants in FBN1 are known to be pathogenic (PMID: 17657824, 19293843). This sequence change inserts 1 nucleotide in exon 32 of the FBN1 mRNA (c.3962dupC), causing a frameshift at codon 1322. This creates a premature translational stop signal (p.Asp1322Argfs*4) and is expected to result in an absent or disrupted protein product.

Literature cited by the submitters: PubMed 17657824; PubMed 19293843.

NM_000138.5(FBN1):c.3962dup (p.Asp1322fs)

Gene: FBN1 (fibrillin 1; minus strand). Cytogenetic location: 15q21.1.
Variant type: Duplication.
Coding change: c.3962dup on transcript NM_000138.5 (MANE Select); coding-DNA position 3962, one base duplicated (C; older notation c.3962dupC).
Protein change: p.Asp1322fs; shifts the reading frame from aspartic acid 1322.
Molecular consequence: frameshift variant.
Genome position (GRCh38, 1-based): chr15:48,481,657, G duplicated on the plus strand (C on the coding strand, the reverse complement: FBN1 is on the minus strand). VCF-style (leftmost placement, unchanged base first): chr15-48481656-T-TG. GRCh37 (hg19) VCF-style: chr15-48773853-T-TG.
Other names: c.3962dupC (NM_000138.4); short protein forms D1322fs.
Identifiers: ClinVar variation 457200 (VCV000457200.6), dbSNP rs1555398137, ClinGen allele CA658656486.
Genomic context (GRCh38, chr15:48,481,656, plus strand): 5'-ATTATGATACCAATCTCTTAACTACTTAATATTTTATTGTTCTACTTGAACAAACACACC[T>TG]GTACAGCCAGTTTTTCCTTTTTTGCCGGAGTAGCCCATATCACAGTGGCAGATAAATGAG-3'